The following is an entry in ClinVar:

NM_003482.4(KMT2D):c.8312G>A (p.Arg2771Gln)

Gene: KMT2D (lysine methyltransferase 2D; minus strand). Cytogenetic location: 12q13.12.
Variant type: single nucleotide variant.
Coding change: c.8312G>A on transcript NM_003482.4 (MANE Select); coding-DNA position 8312, G replaced by A.
Protein change: p.Arg2771Gln; replaces arginine 2771 with glutamine.
Molecular consequence: missense variant.
Genome position (GRCh38, 1-based): chr12:49,039,276, C>T on the plus strand (G>A on the coding strand, the complement: KMT2D is on the minus strand). VCF-style: chr12-49039276-C-T. GRCh37 (hg19) VCF-style: chr12-49433059-C-T.
Other names: short protein forms R2771Q.
Identifiers: ClinVar variation 1462460 (VCV001462460.8), dbSNP rs1943372362, ClinGen allele CA384742768.

ClinVar aggregate classification (germline): Uncertain significance. Review status: criteria provided, multiple submitters, no conflicts (2 of 4 stars). 2 submissions from 2 submitters: Uncertain significance (2). Last evaluated 2024-09-06.

Conditions:
Kabuki syndrome. Also called: Kabuki make-up syndrome; NIIKAWA-KUROKI SYNDROME. Identifiers: Orphanet 2322, MedGen C0796004, MONDO:0016512.

Allele frequency attached by ClinVar (database versions not stated): gnomAD exomes below 0.00001; TOPMed 0.00001.

Submissions (2):

Women's Health and Genetics/Laboratory Corporation of America, LabCorp
Classification: Uncertain significance. Last evaluated: 2024-09-06. Review status: criteria provided, single submitter. Criteria: LabCorp Variant Classification Summary - May 2015. Collection method: clinical testing. Allele origin: germline.
Comment: Variant summary: KMT2D c.8312G>A (p.Arg2771Gln) results in a conservative amino acid change in the encoded protein sequence. Four of four in-silico tools predict a benign effect of the variant on protein function. The frequency data for this variant in gnomAD is considered unreliable, as metrics indicate poor data quality at this position. To our knowledge, no occurrence of c.8312G>A in individuals affected with Kabuki Syndrome 1 and no experimental evidence demonstrating its impact on protein function have been reported. ClinVar contains an entry for this variant (Variation ID: 1462460). Based on the evidence outlined above, the variant was classified as uncertain significance.

Labcorp Genetics (formerly Invitae), Labcorp
Classification: Uncertain significance for Kabuki syndrome. Last evaluated: 2024-01-29. Review status: criteria provided, single submitter. Criteria: Invitae Variant Classification Sherloc (09022015). Collection method: clinical testing. Allele origin: germline.
Comment: This sequence change replaces arginine, which is basic and polar, with glutamine, which is neutral and polar, at codon 2771 of the KMT2D protein (p.Arg2771Gln). This variant is not present in population databases (gnomAD no frequency). This variant has not been reported in the literature in individuals affected with KMT2D-related conditions. ClinVar contains an entry for this variant (Variation ID: 1462460). Advanced modeling of protein sequence and biophysical properties (such as structural, functional, and spatial information, amino acid conservation, physicochemical variation, residue mobility, and thermodynamic stability) performed at Invitae indicates that this missense variant is not expected to disrupt KMT2D protein function with a negative predictive value of 95%. In summary, the available evidence is currently insufficient to determine the role of this variant in disease. Therefore, it has been classified as a Variant of Uncertain Significance.